The following is an entry in ClinVar:

ClinVar aggregate classification (germline): Pathogenic (1 of 4 stars; one submission).

Conditions:
Giant axonal neuropathy 1 (GAN1). Also called: GIANT AXONAL NEUROPATHY 1, AUTOSOMAL RECESSIVE; GAN-Related Neurodegeneration. Identifiers: Orphanet 643, MedGen C1850386, MONDO:0009749, OMIM 256850.

Submission:

3billion
Classification: Pathogenic for Giant axonal neuropathy 1. Last evaluated: 2023-12-06. Review status: criteria provided, single submitter. Criteria: ACMG Guidelines, 2015. Collection method: clinical testing. Allele origin: germline. Affected: yes.
Comment: The variant is not observed in the gnomAD v2.1.1 dataset. Predicted Consequence/Location: Stop-gained (nonsense): predicted to result in a loss or disruption of normal protein function through nonsense-mediated decay (NMD) or protein truncation. Multiple pathogenic variants are reported downstream of the variant. Therefore, this variant is classified as Pathogenic according to the recommendation of ACMG/AMP guideline.

NM_022041.4(GAN):c.1506del (p.Arg501_Trp502insTer)

Gene: GAN (gigaxonin; plus strand). Cytogenetic location: 16q23.2.
Variant type: Deletion.
Coding change: c.1506del on transcript NM_022041.4 (MANE Select); coding-DNA position 1506, one base deleted (G; older notation c.1506delG).
Protein change: p.Arg501_Trp502insTer.
Molecular consequence: nonsense.
Genome position (GRCh38, 1-based): chr16:81,377,222, G deleted; the last of 2 consecutive G bases (chr16:81,377,221-81,377,222); deleting either gives the same sequence. VCF-style (leftmost placement, unchanged base first): chr16-81377220-TG-T. GRCh37 (hg19) VCF-style: chr16-81410825-TG-T.
Other names: c.867del, p.Arg288_Trp289insTer (NM_001377486.1).
Identifiers: ClinVar variation 3776270 (VCV003776270.1).